The following is an entry in ClinVar:

ClinVar aggregate classification (germline): Uncertain significance (1 of 4 stars; one submission).

Submission:

Ambry Genetics
Classification: Uncertain significance. Last evaluated: 2024-03-08. Review status: criteria provided, single submitter. Criteria: Ambry Variant Classification Scheme 2023. Collection method: clinical testing. Allele origin: germline.
Comment: The p.V459F variant (also known as c.1375G>T), located in coding exon 6 of the PALLD gene, results from a G to T substitution at nucleotide position 1375. The valine at codon 459 is replaced by phenylalanine, an amino acid with highly similar properties. This amino acid position is conserved. In addition, this alteration is predicted to be deleterious by in silico analysis. Since supporting evidence is limited at this time, the clinical significance of this alteration remains unclear.

NM_001166108.2(PALLD):c.1375G>T (p.Val459Phe)

Gene: PALLD (palladin, cytoskeletal associated protein; plus strand). Cytogenetic location: 4q32.3.
Variant type: single nucleotide variant.
Coding change: c.1375G>T on transcript NM_001166108.2 (MANE Select); coding-DNA position 1375, G replaced by T.
Protein change: p.Val459Phe; replaces valine 459 with phenylalanine.
Molecular consequence: missense variant.
Genome position (GRCh38, 1-based): chr4:168,690,642, G>T. VCF-style: chr4-168690642-G-T. GRCh37 (hg19) VCF-style: chr4-169611793-G-T.
Other names: c.229G>T, p.Val77Phe (NM_001166109.2); c.1375G>T, p.Val459Phe (NM_016081.4); short protein forms V459F, V77F.
Identifiers: ClinVar variation 1771148 (VCV001771148.2), dbSNP rs2531650982, ClinGen allele CA358795466.
Genomic context (GRCh38, chr4:168,690,642, plus strand): 5'-TTGAATTTCCTTGAATTTCAGGAACTGCAAAACACAGCCGTGGCGGAAGGCCAGGTGGTG[G>T]TTCTGGAGTGCCGGGTCCGTGGGGCACCCCCTCTGCAGGTCCAGTGGTTTCGGCAAGGGA-3'
Protein context (NP_001159580.1, residues 449-469): NTAVAEGQVV[Val459Phe]LECRVRGAPP